The following is an entry in ClinVar:

NM_001351132.2(PEX5):c.28G>A (p.Glu10Lys)

Gene: PEX5 (peroxisomal biogenesis factor 5; plus strand). Cytogenetic location: 12p13.31.
Variant type: single nucleotide variant.
Coding change: c.28G>A on transcript NM_001351132.2 (MANE Select); coding-DNA position 28, G replaced by A.
Protein change: p.Glu10Lys; replaces glutamic acid 10 with lysine.
Molecular consequence: missense variant.
Genome position (GRCh38, 1-based): chr12:7,190,405, G>A. VCF-style: chr12-7190405-G-A. GRCh37 (hg19) VCF-style: chr12-7343001-G-A.
Other names: c.28G>A, p.Glu10Lys (NM_000319.5, NM_001131023.2, NM_001131024.2 and 22 more transcripts); c.28G>A (NM_001131025.1); short protein forms E10K.
Identifiers: ClinVar variation 1481572 (VCV001481572.6), dbSNP rs747725502, ClinGen allele CA6425978.

ClinVar aggregate classification (germline): Uncertain significance. Review status: criteria provided, multiple submitters, no conflicts (2 of 4 stars). 2 submissions from 2 submitters: Uncertain significance (2). Last evaluated 2025-04-15.

Conditions:
Peroxisome biogenesis disorder 2B (PBD2B). Identifiers: Orphanet 44, MedGen C3550234, MONDO:0008736, OMIM 202370.
Inborn genetic diseases. Identifiers: MedGen C0950123, MeSH D030342.

Allele frequency attached by ClinVar (database versions not stated): gnomAD exomes 0.00001; ExAC 0.00001.
gnomAD v4.1: 48 of 1,614,192 alleles (0.003%); highest among the groups gnomAD compares: Non-Finnish European, 0.0041%; no homozygotes.

Submissions (2):

Ambry Genetics
Classification: Uncertain significance for Inborn genetic diseases. Last evaluated: 2025-04-15. Review status: criteria provided, single submitter. Criteria: Ambry Variant Classification Scheme 2023. Collection method: clinical testing. Allele origin: germline.

Labcorp Genetics (formerly Invitae), Labcorp
Classification: Uncertain significance for Peroxisome biogenesis disorder 2B. Last evaluated: 2022-06-15. Review status: criteria provided, single submitter. Criteria: Invitae Variant Classification Sherloc (09022015). Collection method: clinical testing. Allele origin: germline.
Comment: This sequence change replaces glutamic acid, which is acidic and polar, with lysine, which is basic and polar, at codon 10 of the PEX5 protein (p.Glu10Lys). This variant is present in population databases (rs747725502, gnomAD 0.002%). This variant has not been reported in the literature in individuals affected with PEX5-related conditions. Algorithms developed to predict the effect of missense changes on protein structure and function are either unavailable or do not agree on the potential impact of this missense change (SIFT: "Tolerated"; PolyPhen-2: "Probably Damaging"; Align-GVGD: "Class C0"). In summary, the available evidence is currently insufficient to determine the role of this variant in disease. Therefore, it has been classified as a Variant of Uncertain Significance.